The following is an entry in ClinVar:

NM_001364171.2(ODAD1):c.1822C>T (p.His608Tyr)

Gene: ODAD1 (outer dynein arm docking complex subunit 1; minus strand). Cytogenetic location: 19q13.33.
Variant type: single nucleotide variant.
Coding change: c.1822C>T on transcript NM_001364171.2 (MANE Select); coding-DNA position 1822, C replaced by T.
Protein change: p.His608Tyr; replaces histidine 608 with tyrosine.
Molecular consequence: missense variant.
Genome position (GRCh38, 1-based): chr19:48,297,278, G>A on the plus strand (C>T on the coding strand, the complement: ODAD1 is on the minus strand). VCF-style: chr19-48297278-G-A. GRCh37 (hg19) VCF-style: chr19-48800535-G-A.
Other names: c.1711C>T, p.His571Tyr (NM_144577.4); short protein forms H608Y, H571Y.
Identifiers: ClinVar variation 662204 (VCV000662204.8), dbSNP rs201978305, ClinGen allele CA9548559.

ClinVar aggregate classification (germline): Uncertain significance. Review status: criteria provided, multiple submitters, no conflicts (2 of 4 stars). 4 submissions from 4 submitters: Uncertain significance (4). Last evaluated 2024-11-11.

Conditions:
Primary ciliary dyskinesia 20. Also called: CILIARY DYSKINESIA, PRIMARY, 20, WITH OR WITHOUT SITUS INVERSUS. Identifiers: Orphanet 244, MedGen C3540844, MONDO:0014030, OMIM 615067.
Primary ciliary dyskinesia. Also called: Ciliary dyskinesia. Identifiers: Orphanet 244, MedGen C0008780, MONDO:0016575, HP:0012265.

Allele frequency attached by ClinVar (database versions not stated): ESP Exome Variant Server 0.00008; gnomAD 0.00009 and 0.00010; TOPMed 0.00011; gnomAD exomes 0.00017 and 0.00027; ExAC 0.00041.

Submissions (4):

Labcorp Genetics (formerly Invitae), Labcorp
Classification: Uncertain significance for Primary ciliary dyskinesia. Last evaluated: 2024-11-11. Review status: criteria provided, single submitter. Criteria: Invitae Variant Classification Sherloc (09022015). Collection method: clinical testing. Allele origin: germline.
Comment: This sequence change replaces histidine, which is basic and polar, with tyrosine, which is neutral and polar, at codon 571 of the CCDC114 protein (p.His571Tyr). This variant is present in population databases (rs201978305, gnomAD 0.05%). This variant has not been reported in the literature in individuals affected with CCDC114-related conditions. ClinVar contains an entry for this variant (Variation ID: 662204). An algorithm developed to predict the effect of missense changes on protein structure and function (PolyPhen-2) suggests that this variant¬†is likely to be tolerated. In summary, the available evidence is currently insufficient to determine the role of this variant in disease. Therefore, it has been classified as a Variant of Uncertain Significance.

Blueprint Genetics
Classification: Uncertain significance. Last evaluated: 2024-09-24. Review status: criteria provided, single submitter. Criteria: ACMG Guidelines, 2015. Collection method: clinical testing. Allele origin: germline.

Ambry Genetics
Classification: Uncertain significance for Primary ciliary dyskinesia. Last evaluated: 2023-12-27. Review status: criteria provided, single submitter. Criteria: Ambry Variant Classification Scheme 2023. Collection method: clinical testing. Allele origin: germline.

Fulgent Genetics
Classification: Uncertain significance for Primary ciliary dyskinesia 20. Last evaluated: 2021-10-18. Review status: criteria provided, single submitter. Criteria: ACMG Guidelines, 2015. Collection method: clinical testing. Allele origin: unknown.